The following is an entry in ClinVar:

NM_000057.4(BLM):c.2558T>G (p.Phe853Cys)

Gene: BLM (BLM RecQ like helicase; plus strand). Cytogenetic location: 15q26.1.
Variant type: single nucleotide variant.
Coding change: c.2558T>G on transcript NM_000057.4 (MANE Select); coding-DNA position 2558, T replaced by G.
Protein change: p.Phe853Cys; replaces phenylalanine 853 with cysteine.
Molecular consequence: missense variant.
Genome position (GRCh38, 1-based): chr15:90,782,824, T>G. VCF-style: chr15-90782824-T-G. GRCh37 (hg19) VCF-style: chr15-91326054-T-G.
Other names: c.2558T>G, p.Phe853Cys (NM_001287246.2, NM_001287247.2); c.1433T>G, p.Phe478Cys (NM_001287248.2); short protein forms F478C, F853C.
Identifiers: ClinVar variation 4212052 (VCV004212052.1).

ClinVar aggregate classification (germline): Uncertain significance (1 of 4 stars; one submission).

Conditions:
Hereditary cancer-predisposing syndrome. Also called: Neoplastic Syndromes, Hereditary; Tumor predisposition; Hereditary Cancer Syndrome; Hereditary neoplastic syndrome. Identifiers: Orphanet 140162, MedGen C0027672, MeSH D009386, MONDO:0015356.

gnomAD v4.1: 1 of 1,609,218 alleles (0.000062%); highest among the groups gnomAD compares: Non-Finnish European, 0.000085%; no homozygotes.

Submission:

Ambry Genetics
Classification: Uncertain significance for Hereditary cancer-predisposing syndrome. Last evaluated: 2025-08-21. Review status: criteria provided, single submitter. Criteria: Ambry Variant Classification Scheme 2023. Collection method: clinical testing. Allele origin: germline.
Comment: The p.F853C variant (also known as c.2558T>G), located in coding exon 12 of the BLM gene, results from a T to G substitution at nucleotide position 2558. The phenylalanine at codon 853 is replaced by cysteine, an amino acid with highly dissimilar properties. This amino acid position is conserved. In addition, this alteration is predicted to be deleterious by in silico analysis. Based on the available evidence, the clinical significance of this variant remains unclear.